The following is an entry in ClinVar:

ClinVar aggregate classification (germline): Benign/Likely benign. Review status: criteria provided, multiple submitters, no conflicts (2 of 4 stars). 5 submissions from 5 submitters: Benign (2); Likely benign (2). 1 of the submissions does not count toward it. Last evaluated 2024-04-22.

Conditions:
Long QT syndrome (LQTS). Identifiers: MedGen C0023976, MeSH D008133, MONDO:0002442. Disease mechanism: loss of function. Inheritance: Various modes of inheritance.
Cardiac arrhythmia, ankyrin-B-related. Also called: ANKYRIN-B SYNDROME. Identifiers: Orphanet 101016, Orphanet 768, MedGen C1970119, MONDO:0010958, OMIM 600919.
ANK2-related disorder. Also called: ANK2-related condition.
Cardiovascular phenotype. Identifiers: MedGen CN230736.

Allele frequency attached by ClinVar (database versions not stated): gnomAD exomes below 0.00001; ExAC 0.00001; gnomAD 0.00001; TOPMed 0.00005; ESP Exome Variant Server 0.00008.
gnomAD v4.1: 3 of 1,613,876 alleles (0.00019%); highest among the groups gnomAD compares: African/African-American, 0.0027%; no homozygotes.

Submissions (5):

Labcorp Genetics (formerly Invitae), Labcorp
Classification: Likely benign for Long QT syndrome. Last evaluated: 2024-04-22. Review status: criteria provided, single submitter. Criteria: Invitae Variant Classification Sherloc (09022015). Collection method: clinical testing. Allele origin: germline.

Genome-Nilou Lab
Classification: Benign for Cardiac arrhythmia, ankyrin-B-related. Last evaluated: 2021-12-05. Review status: criteria provided, single submitter. Criteria: ACMG Guidelines, 2015. Collection method: clinical testing. Allele origin: germline. Affected: no.

Ambry Genetics
Classification: Likely benign for Cardiovascular phenotype. Last evaluated: 2019-11-21. Review status: criteria provided, single submitter. Criteria: Ambry Variant Classification Scheme 2023. Collection method: clinical testing. Allele origin: germline.

GeneDx
Classification: Benign. Last evaluated: 2015-03-03. Review status: criteria provided, single submitter. Criteria: GeneDx Variant Classification Process June 2021. Collection method: clinical testing. Allele origin: germline. Affected: yes.

PreventionGenetics, part of Exact Sciences
Classification: Likely benign for ANK2-related condition. Last evaluated: 2019-07-03. Review status: no assertion criteria provided. Collection method: clinical testing. Allele origin: germline. Not counted in ClinVar's aggregate classification.
Comment: This variant is classified as likely benign based on ACMG/AMP sequence variant interpretation guidelines (Richards et al. 2015 PMID: 25741868, with internal and published modifications).

NM_001148.6(ANK2):c.1803T>C (p.His601=)

Gene: ANK2 (ankyrin 2; plus strand). Cytogenetic location: 4q26.
Variant type: single nucleotide variant.
Coding change: c.1803T>C on transcript NM_001148.6 (MANE Select); coding-DNA position 1803, T replaced by C.
Protein change: p.His601=; no amino-acid change (histidine 601 retained).
Molecular consequence: synonymous variant. On other transcripts: intron variant (10).
Genome position (GRCh38, 1-based): chr4:113,278,480, T>C. VCF-style: chr4-113278480-T-C. GRCh37 (hg19) VCF-style: chr4-114199636-T-C.
Other names: c.1740T>C, p.His580= (NM_001127493.3, NM_001354239.2, NM_001354243.2 and 10 more transcripts); c.1803T>C, p.His601= (NM_001354225.2, NM_001354228.2, NM_001354232.2 and 6 more transcripts); c.1848T>C, p.His616= (NM_001354230.2, NM_001354231.2, NM_001354237.2 and 5 more transcripts); c.1716T>C, p.His572= (NM_001354249.2, NM_001354264.2, NM_001354266.2 and 10 more transcripts); c.1761T>C, p.His587= (NM_001354261.2, NM_001386147.1, NM_001386160.1); c.1593T>C, p.His531= (NM_001354269.3); c.1605T>C, p.His535= (NM_001354273.2); c.1518T>C, p.His506= (NM_001354277.2, NM_001386157.1); and 8 more.
Identifiers: ClinVar variation 413959 (VCV000413959.17), dbSNP rs144016063, ClinGen allele CA3050380.